The following is an entry in ClinVar:

ClinVar aggregate classification (germline): Benign (1 of 4 stars; one submission).

Conditions:
Retinoblastoma (RB1). Also called: RETINOBLASTOMA, SOMATIC. Identifiers: Orphanet 790, MedGen C0035335, MeSH D012175, MONDO:0008380, OMIM 180200, HP:0009919. Disease mechanism: loss of function. Inheritance: Both sporadic and heritable forms are tested..

gnomAD v4.1: 4 of 1,334,004 alleles (0.0003%); highest among the groups gnomAD compares: Non-Finnish European, 0.0003%; no homozygotes.

Submission:

Myriad Genetics, Inc.
Classification: Benign for Retinoblastoma. Last evaluated: 2026-06-24. Review status: criteria provided, single submitter. Criteria: Myriad Autosomal Dominant, Autosomal Recessive and X-Linked Classification Criteria (2023). Collection method: clinical testing. Allele origin: unknown.
Comment: This variant is considered benign. This variant is intronic and is not expected to impact mRNA splicing.

NM_000321.3(RB1):c.1421+13C>A

Gene: RB1 (RB transcriptional corepressor 1; plus strand). Cytogenetic location: 13q14.2.
Variant type: single nucleotide variant.
Coding change: c.1421+13C>A on transcript NM_000321.3 (MANE Select); 13 bases into the intron after coding-DNA position 1421, C replaced by A.
Molecular consequence: intron variant.
Genome position (GRCh38, 1-based): chr13:48,380,097, C>A. VCF-style: chr13-48380097-C-A. GRCh37 (hg19) VCF-style: chr13-48954233-C-A.
Other names: c.1421+13C>A (NM_001407165.1, NM_001407166.1).
Identifiers: ClinVar variation 4875825 (VCV004875825.1).